The following is an entry in ClinVar:

NM_002755.4(MAP2K1):c.31C>G (p.Leu11Val)

Gene: MAP2K1 (mitogen-activated protein kinase kinase 1; plus strand). Cytogenetic location: 15q22.31.
Variant type: single nucleotide variant.
Coding change: c.31C>G on transcript NM_002755.4 (MANE Select); coding-DNA position 31, C replaced by G.
Protein change: p.Leu11Val; replaces leucine 11 with valine.
Molecular consequence: missense variant.
Genome position (GRCh38, 1-based): chr15:66,387,378, C>G. VCF-style: chr15-66387378-C-G. GRCh37 (hg19) VCF-style: chr15-66679716-C-G.
Other names: short protein forms L11V.
Identifiers: ClinVar variation 2704008 (VCV002704008.3), dbSNP rs2140511655, ClinGen allele CA392931552.
Genomic context (GRCh38, chr15:66,387,378, plus strand): 5'-GGAGTTGGAAGCGCGTTACCCGGGTCCAAAATGCCCAAGAAGAAGCCGACGCCCATCCAG[C>G]TGAACCCGGCCCCCGACGGCTCTGCAGTTAACGGGACCAGCTCTGCGGAGTAAGTATGGG-3'
Protein context (NP_002746.1, residues 1-21): MPKKKPTPIQ[Leu11Val]NPAPDGSAVN

ClinVar aggregate classification (germline): Uncertain significance (1 of 4 stars; one submission).

Conditions:
RASopathy. Also called: Noonan spectrum disorder; rasopathies. Identifiers: Orphanet 536391, MedGen C5555857, MONDO:0021060.

Submission:

Labcorp Genetics (formerly Invitae), Labcorp
Classification: Uncertain significance for RASopathy. Last evaluated: 2023-12-19. Review status: criteria provided, single submitter. Criteria: Invitae Variant Classification Sherloc (09022015). Collection method: clinical testing. Allele origin: germline.
Comment: This sequence change replaces leucine, which is neutral and non-polar, with valine, which is neutral and non-polar, at codon 11 of the MAP2K1 protein (p.Leu11Val). This variant is not present in population databases (gnomAD no frequency). This variant has not been reported in the literature in individuals affected with MAP2K1-related conditions. Advanced modeling of protein sequence and biophysical properties (such as structural, functional, and spatial information, amino acid conservation, physicochemical variation, residue mobility, and thermodynamic stability) performed at Invitae indicates that this missense variant is not expected to disrupt MAP2K1 protein function with a negative predictive value of 95%. In summary, the available evidence is currently insufficient to determine the role of this variant in disease. Therefore, it has been classified as a Variant of Uncertain Significance.